The following is an entry in ClinVar:

ClinVar aggregate classification (germline): Benign/Likely benign. Review status: criteria provided, multiple submitters, no conflicts (2 of 4 stars). 3 submissions from 3 submitters: Benign (1); Likely benign (2). Last evaluated 2024-10-09.

Conditions:
Hereditary cancer-predisposing syndrome. Also called: Hereditary Cancer Syndrome; Hereditary neoplastic syndrome; Neoplastic Syndromes, Hereditary; Tumor predisposition. Identifiers: Orphanet 140162, MedGen C0027672, MeSH D009386, MONDO:0015356.
Familial adenomatous polyposis 1 (FAP1). Also called: FAMILIAL ADENOMATOUS POLYPOSIS 1, ATTENUATED; POLYPOSIS, ADENOMATOUS INTESTINAL. Identifiers: MedGen C2713442, MONDO:0021056, OMIM 175100. Disease mechanism: loss of function.

gnomAD v4.1: 2 of 1,614,210 alleles (0.00012%); highest among the groups gnomAD compares: Non-Finnish European, 0.00017%; no homozygotes.

Submissions (3):

Labcorp Genetics (formerly Invitae), Labcorp
Classification: Likely benign for Familial adenomatous polyposis 1. Last evaluated: 2024-10-09. Review status: criteria provided, single submitter. Criteria: Invitae Variant Classification Sherloc (09022015). Collection method: clinical testing. Allele origin: germline.

Myriad Genetics, Inc.
Classification: Benign for Familial adenomatous polyposis 1. Last evaluated: 2024-03-27. Review status: criteria provided, single submitter. Criteria: Myriad Autosomal Dominant, Autosomal Recessive and X-Linked Classification Criteria (2023). Collection method: clinical testing. Allele origin: unknown.
Comment: This variant is considered benign. This variant is a silent/synonymous amino acid change and it is not expected to impact splicing.

Ambry Genetics
Classification: Likely benign for Hereditary cancer-predisposing syndrome. Last evaluated: 2022-02-08. Review status: criteria provided, single submitter. Criteria: Ambry Variant Classification Scheme 2023. Collection method: clinical testing. Allele origin: germline.

NM_000038.6(APC):c.4491A>T (p.Pro1497=)

Gene: APC (APC regulator of Wnt signaling pathway; plus strand). Cytogenetic location: 5q22.2.
Variant type: single nucleotide variant.
Coding change: c.4491A>T on transcript NM_000038.6 (MANE Select); coding-DNA position 4491, A replaced by T.
Protein change: p.Pro1497=; no amino-acid change (proline 1497 retained).
Molecular consequence: synonymous variant. On other transcripts: non-coding transcript variant (2).
Genome position (GRCh38, 1-based): chr5:112,840,085, A>T. VCF-style: chr5-112840085-A-T. GRCh37 (hg19) VCF-style: chr5-112175782-A-T.
Other names: c.4491A>T, p.Pro1497= (NM_001127510.3, NM_001354895.2, NM_001407450.1); c.4437A>T, p.Pro1479= (NM_001127511.3); c.4545A>T, p.Pro1515= (NM_001354896.2, NM_001407447.1, NM_001407448.1 and 1 more transcripts); c.4521A>T, p.Pro1507= (NM_001354897.2); c.4416A>T, p.Pro1472= (NM_001354898.2); c.4407A>T, p.Pro1469= (NM_001354899.2); c.4368A>T, p.Pro1456= (NM_001354900.2); c.4314A>T, p.Pro1438= (NM_001354901.2, NM_001407453.1); and 11 more.
Identifiers: ClinVar variation 1740972 (VCV001740972.5), dbSNP rs904213754, ClinGen allele CA446206539.
Genomic context (GRCh38, chr5:112,840,085, plus strand): 5'-GAGGGTCCAGGTTCTTCCAGATGCTGATACTTTATTACATTTTGCCACGGAAAGTACTCC[A>T]GATGGATTTTCTTGTTCATCCAGCCTGAGTGCTCTGAGCCTCGATGAGCCATTTATACAG-3'
Protein context (NP_000029.2, residues 1487-1507): TLLHFATEST[Pro1497=]DGFSCSSSLS